The following is an entry in ClinVar:

ClinVar aggregate classification (germline): Uncertain significance (1 of 4 stars; one submission).

Conditions:
Fibrous dysplasia of jaw (CRBM). Also called: Cherubism. Identifiers: Orphanet 184, MedGen C0008029, MONDO:0007315, OMIM 118400.

Submission:

Labcorp Genetics (formerly Invitae), Labcorp
Classification: Uncertain significance for Fibrous dysplasia of jaw. Last evaluated: 2023-04-09. Review status: criteria provided, single submitter. Criteria: Invitae Variant Classification Sherloc (09022015). Collection method: clinical testing. Allele origin: germline.
Comment: This variant has not been reported in the literature in individuals affected with SH3BP2-related conditions. In summary, the available evidence is currently insufficient to determine the role of this variant in disease. Therefore, it has been classified as a Variant of Uncertain Significance. Advanced modeling of protein sequence and biophysical properties (such as structural, functional, and spatial information, amino acid conservation, physicochemical variation, residue mobility, and thermodynamic stability) performed at Invitae indicates that this missense variant is not expected to disrupt SH3BP2 protein function. This variant is present in population databases (no rsID available, gnomAD 0.0009%). This sequence change replaces tryptophan, which is neutral and slightly polar, with cysteine, which is neutral and slightly polar, at codon 8 of the SH3BP2 protein (p.Trp8Cys).

NM_001122681.2(SH3BP2):c.24G>C (p.Trp8Cys)

Gene: SH3BP2 (SH3 domain binding protein 2; plus strand). Cytogenetic location: 4p16.3.
Variant type: single nucleotide variant.
Coding change: c.24G>C on transcript NM_001122681.2 (MANE Select); coding-DNA position 24, G replaced by C.
Protein change: p.Trp8Cys; replaces tryptophan 8 with cysteine.
Molecular consequence: missense variant.
Genome position (GRCh38, 1-based): chr4:2,820,641, G>C. VCF-style: chr4-2820641-G-C. GRCh37 (hg19) VCF-style: chr4-2822368-G-C.
Other names: c.108G>C, p.Trp36Cys (NM_001145855.2); c.195G>C, p.Trp65Cys (NM_001145856.2); c.24G>C, p.Trp8Cys (NM_003023.4); short protein forms W36C, W65C, W8C.
Identifiers: ClinVar variation 2853906 (VCV002853906.3), dbSNP rs766753967, ClinGen allele CA356052843.
Genomic context (GRCh38, chr4:2,820,641, plus strand): 5'-AGCTGAGCCACGTGCCTTTGTCCTTTATTGCAGCTTCATGGCGGCTGAAGAGATGCATTG[G>C]CCTGTCCCTATGAAGGCCATTGGTGCCCAGAACCTGCTAACCATGCCTGGGGGCGTGGCC-3'
Protein context (NP_001116153.1, residues 1-18): MAAEEMH[Trp8Cys]PVPMKAIGAQ